The following is an entry in ClinVar:

NM_145046.5(CALR3):c.309G>A (p.Met103Ile)

Gene: CALR3 (calreticulin 3; minus strand). Cytogenetic location: 19p13.11.
Variant type: single nucleotide variant.
Coding change: c.309G>A on transcript NM_145046.5 (MANE Select); coding-DNA position 309, G replaced by A.
Protein change: p.Met103Ile; replaces methionine 103 with isoleucine.
Molecular consequence: missense variant.
Genome position (GRCh38, 1-based): chr19:16,490,455, C>T on the plus strand (G>A on the coding strand, the complement: CALR3 is on the minus strand). VCF-style: chr19-16490455-C-T. GRCh37 (hg19) VCF-style: chr19-16601266-C-T.
Other names: short protein forms M103I.
Identifiers: ClinVar variation 1520180 (VCV001520180.8), dbSNP rs772666036, ClinGen allele CA9278448.

ClinVar aggregate classification (germline): Uncertain significance (1 of 4 stars; one submission).

Conditions:
Hypertrophic cardiomyopathy 19. Also called: Familial hypertrophic cardiomyopathy 19. Identifiers: MedGen CN077603, MONDO:0013476.

Allele frequency attached by ClinVar (database versions not stated): gnomAD exomes below 0.00001 and 0.00001; TOPMed below 0.00001; ExAC 0.00001; gnomAD 0.00001.

Submission:

Labcorp Genetics (formerly Invitae), Labcorp
Classification: Uncertain significance for Hypertrophic cardiomyopathy 19. Last evaluated: 2024-04-01. Review status: criteria provided, single submitter. Criteria: Invitae Variant Classification Sherloc (09022015). Collection method: clinical testing. Allele origin: germline.
Comment: This sequence change replaces methionine, which is neutral and non-polar, with isoleucine, which is neutral and non-polar, at codon 103 of the CALR3 protein (p.Met103Ile). This variant is present in population databases (rs772666036, gnomAD 0.006%). This variant has not been reported in the literature in individuals affected with CALR3-related conditions. ClinVar contains an entry for this variant (Variation ID: 1520180). Advanced modeling of protein sequence and biophysical properties (such as structural, functional, and spatial information, amino acid conservation, physicochemical variation, residue mobility, and thermodynamic stability) performed at Invitae indicates that this missense variant is not expected to disrupt CALR3 protein function with a negative predictive value of 80%. In summary, the available evidence is currently insufficient to determine the role of this variant in disease. Therefore, it has been classified as a Variant of Uncertain Significance.